The following is an entry in ClinVar:

NM_001276270.2(MBD4):c.230C>T (p.Thr77Ile)

Gene: MBD4 (methyl-CpG binding domain 4, DNA glycosylase; minus strand). Cytogenetic location: 3q21.3.
Variant type: single nucleotide variant.
Coding change: c.230C>T on transcript NM_001276270.2 (MANE Select); coding-DNA position 230, C replaced by T.
Protein change: p.Thr77Ile; replaces threonine 77 with isoleucine.
Molecular consequence: missense variant.
Genome position (GRCh38, 1-based): chr3:129,437,825, G>A on the plus strand (C>T on the coding strand, the complement: MBD4 is on the minus strand). VCF-style: chr3-129437825-G-A. GRCh37 (hg19) VCF-style: chr3-129156668-G-A.
Other names: c.230C>T, p.Thr77Ile (NM_001276271.2, NM_001276272.2, NM_001276273.2 and 1 more transcripts); short protein forms T77I.
Identifiers: ClinVar variation 2777536 (VCV002777536.4), dbSNP rs748118249, ClinGen allele CA354468510.
Genomic context (GRCh38, chr3:129,437,825, plus strand): 5'-CTTTGCTTCACAACTCTTTCCCATCCACATGGGACAGACTTACGGCATTCTGTTCCTGCA[G>A]TAGCACCAAACTGAGCAGAAGCGATGGGTTCTTGTAGCAAGGGATTACATTCACTGCTTC-3'
Protein context (NP_001263199.1, residues 67-87): EPIASAQFGA[Thr77Ile]AGTECRKSVP

ClinVar aggregate classification (germline): Uncertain significance. Review status: criteria provided, multiple submitters, no conflicts (2 of 4 stars). 2 submissions from 2 submitters: Uncertain significance (2). Last evaluated 2025-12-28.

Conditions:
Inborn genetic diseases. Identifiers: MedGen C0950123, MeSH D030342.

gnomAD v4.1: 10 of 1,613,944 alleles (0.00062%); highest among the groups gnomAD compares: Non-Finnish European, 0.00085%; no homozygotes.

Submissions (2):

Labcorp Genetics (formerly Invitae), Labcorp
Classification: Uncertain significance. Last evaluated: 2025-12-28. Review status: criteria provided, single submitter. Criteria: Invitae Variant Classification Sherloc (09022015). Collection method: clinical testing. Allele origin: germline.
Comment: This sequence change replaces threonine, which is neutral and polar, with isoleucine, which is neutral and non-polar, at codon 77 of the MBD4 protein (p.Thr77Ile). This variant is present in population databases (no rsID available, gnomAD 0.007%). This variant has not been reported in the literature in individuals affected with MBD4-related conditions. ClinVar contains an entry for this variant (Variation ID: 2777536). An algorithm developed to predict the effect of missense changes on protein structure and function (PolyPhen-2) suggests that this variant is likely to be disruptive. In summary, the available evidence is currently insufficient to determine the role of this variant in disease. Therefore, it has been classified as a Variant of Uncertain Significance.

Ambry Genetics
Classification: Uncertain significance for Inborn genetic diseases. Last evaluated: 2024-11-21. Review status: criteria provided, single submitter. Criteria: Ambry Variant Classification Scheme 2023. Collection method: clinical testing. Allele origin: germline.
Comment: The p.T77I variant (also known as c.230C>T), located in coding exon 2 of the MBD4 gene, results from a C to T substitution at nucleotide position 230. The threonine at codon 77 is replaced by isoleucine, an amino acid with similar properties. This amino acid position is conserved. In addition, this alteration is predicted to be tolerated by in silico analysis. Based on the available evidence, the clinical significance of this variant remains unclear.